The following is an entry in ClinVar:

NM_017739.4(POMGNT1):c.652+1G>T

Genes: POMGNT1 (protein O-linked mannose N-acetylglucosaminyltransferase 1 (beta 1,2-); minus strand), TSPAN1 (tetraspanin 1; plus strand). Cytogenetic location: 1p34.1.
Variant type: single nucleotide variant.
Coding change: c.652+1G>T on transcript NM_017739.4 (MANE Select); the canonical splice donor site of the intron after coding-DNA position 652, G replaced by T.
Molecular consequence: splice donor variant.
Genome position (GRCh38, 1-based): chr1:46,194,843, C>A on the plus strand (G>T on the coding strand, the complement: POMGNT1 is on the minus strand). VCF-style: chr1-46194843-C-A. GRCh37 (hg19) VCF-style: chr1-46660515-C-A.
Other names: c.652+1G>T (NM_001438686.1, NM_001438688.1, NM_001437653.1 and 3 more transcripts); c.586+1G>T (NM_001290129.3, NM_001438691.1, NM_001438692.1); c.223+1G>T (NM_001290130.2).
Identifiers: ClinVar variation 642934 (VCV000642934.24), dbSNP rs386834035, ClinGen allele CA21916937.

ClinVar aggregate classification (germline): Pathogenic/Likely pathogenic. Review status: criteria provided, multiple submitters, no conflicts (2 of 4 stars). 7 submissions from 7 submitters: Pathogenic (3); Likely pathogenic (4). Last evaluated 2025-12-08.

Conditions:
Autosomal recessive limb-girdle muscular dystrophy type 2O. Also called: Limb-Girdle Muscular Dystrophy Type 3C; MUSCULAR DYSTROPHY-DYSTROGLYCANOPATHY, LIMB-GIRDLE, POMGNT1-RELATED; MUSCULAR DYSTROPHY-DYSTROGLYCANOPATHY (LIMB-GIRDLE), TYPE C, 3. Identifiers: Orphanet 206564, MedGen C3150417, MONDO:0013161, OMIM 613157.
Muscular dystrophy-dystroglycanopathy (congenital with brain and eye anomalies), type A3. Also called: Congenital muscular dystrophy-dystroglycanopathy with brain and eye anomalies, type A3; Muscular dystrophy-dystroglycanopathy (congenital with brain and eye anomalies), type A, 3; WALKER-WARBURG SYNDROME OR MUSCLE-EYE-BRAIN DISEASE, POMGNT1-RELATED. Identifiers: MedGen C3151519, MONDO:0009667, OMIM 253280.
Muscular dystrophy-dystroglycanopathy (congenital with impaired intellectual development), type B, 3. Also called: Muscular dystrophy-dystroglycanopathy (congenital with intellectual disability), type B3; MUSCULAR DYSTROPHY, CONGENITAL, POMGNT1-RELATED. Identifiers: MedGen C3150412, MONDO:0013155, OMIM 613151.
Retinitis pigmentosa 76 (RP76). Identifiers: MedGen C4310704, MONDO:0014929, OMIM 617123.
Muscle eye brain disease (MEB). Also called: Santavuori congenital muscular dystrophy. Identifiers: Orphanet 588, Orphanet 899, MedGen C0457133, MONDO:0018939.

Allele frequency attached by ClinVar (database versions not stated): gnomAD 0.00001; TOPMed below 0.00001.
gnomAD v4.1: 9 of 1,614,038 alleles (0.00056%); highest among the groups gnomAD compares: African/African-American, 0.0013%; no homozygotes.

Submissions (7):

Natera, Inc.
Classification: Pathogenic for Muscle-eye-brain disease. Last evaluated: 2025-12-08. Review status: criteria provided, single submitter. Criteria: Natera Variant Classification Schema (03/2026). Collection method: clinical testing. Allele origin: germline.
Comment: The c.652+1G>T variant in POMGNT1 is a canonical splice donor site variant predicted to affect pre-mRNA splicing, which may result in an abnormal transcript and altered protein product. This variant is expected to result in nonsense mediated decay, truncation, or a dysfunctional protein product. This variant is rare in the general population with a frequency below the threshold expected for the associated phenotype(s). This variant has been observed in one or more individuals affected with the associated recessive disease, as either homozygous or compound heterozygous with a second variant (PMID: 17878207). Given the available evidence, this variant is classified as Pathogenic.

Labcorp Genetics (formerly Invitae), Labcorp
Classification: Likely pathogenic for Autosomal recessive limb-girdle muscular dystrophy type 2O; Muscular dystrophy-dystroglycanopathy (congenital with impaired intellectual development), type B, 3. Last evaluated: 2025-10-01. Review status: criteria provided, single submitter. Criteria: Invitae Variant Classification Sherloc (09022015). Collection method: clinical testing. Allele origin: germline.
Comment: This sequence change affects a donor splice site in intron 7 of the POMGNT1 gene. It is expected to disrupt RNA splicing. Variants that disrupt the donor or acceptor splice site typically lead to a loss of protein function (PMID: 16199547), and loss-of-function variants in POMGNT1 are known to be pathogenic (PMID: 19299310, 20816175, 21447391, 26908613, 27391550). This variant is not present in population databases (gnomAD no frequency). Disruption of this splice site has been observed in individual(s) with muscle-eye-brain (MEB) disease (PMID: 17878207). ClinVar contains an entry for this variant (Variation ID: 642934). Algorithms developed to predict the effect of sequence changes on RNA splicing suggest that this variant may disrupt the consensus splice site. In summary, the currently available evidence indicates that the variant is pathogenic, but additional data are needed to prove that conclusively. Therefore, this variant has been classified as Likely Pathogenic.

GeneDx
Classification: Likely pathogenic. Last evaluated: 2025-09-02. Review status: criteria provided, single submitter. Criteria: GeneDx Variant Classification Process June 2021. Collection method: clinical testing. Allele origin: germline. Affected: yes.
Comment: Canonical splice site variant predicted to result in a null allele in a gene for which loss of function is a known mechanism of disease; Not observed at significant frequency in large population cohorts (gnomAD); Has not been previously published as pathogenic or benign to our knowledge

Fulgent Genetics
Classification: Likely pathogenic for Muscular dystrophy-dystroglycanopathy (congenital with brain and eye anomalies), type A3; Muscular dystrophy-dystroglycanopathy (congenital with impaired intellectual development), type B, 3; Autosomal recessive limb-girdle muscular dystrophy type 2O; Retinitis pigmentosa 76. Last evaluated: 2024-06-06. Review status: criteria provided, single submitter. Criteria: ACMG Guidelines, 2015. Collection method: clinical testing. Allele origin: germline.

Baylor Genetics
Classification: Pathogenic for Muscular dystrophy-dystroglycanopathy (congenital with brain and eye anomalies), type A3. Last evaluated: 2023-08-28. Review status: criteria provided, single submitter. Criteria: ACMG Guidelines, 2015. Collection method: clinical testing. Allele origin: unknown.

Mayo Clinic Laboratories, Mayo Clinic
Classification: Pathogenic. Last evaluated: 2019-11-11. Review status: criteria provided, single submitter. Criteria: ACMG Guidelines, 2015. Collection method: clinical testing. Allele origin: germline. Observed: 1 variant allele.
Comment: PVS1, PS1, PM2

Genetic Services Laboratory, University of Chicago
Classification: Likely pathogenic. Last evaluated: 2019-01-14. Review status: criteria provided, single submitter. Criteria: ACMG Guidelines, 2015. Collection method: clinical testing. Allele origin: germline. Affected: yes.
Comment: DNA sequence analysis of the POMGNT1 gene demonstrated a sequence change located in the canonical splice donor site in intron 7, .c.652+1G>T. This sequence change does not appear to have been previously described in patients with POMGNT1-related disorders and has also not been described as a known benign sequence change in the POMGNT1 gene. A different nucleotide change, c.652+1G>A, has been reported in the compound heterozygous state with a second missense variant in a patient with muscle-eye-brain/Fukuyama congenital muscular dystrophy phenotype (PMID: 17878207). Other splice site and truncating loss of function variants have also been reported in this gene. This sequence change likely affects normal splicing of the POMGNT1 gene, which would result in an abnormal protein, however functional studies have not been performed to prove this conclusively.

Literature cited by the submitters: PubMed 17878207 (cited by Natera, Inc. and Labcorp Genetics (formerly Invitae), Labcorp); PubMed 16199547 (cited by Labcorp Genetics (formerly Invitae), Labcorp); PubMed 19299310 (cited by Labcorp Genetics (formerly Invitae), Labcorp); PubMed 20816175 (cited by Labcorp Genetics (formerly Invitae), Labcorp); PubMed 21447391 (cited by Labcorp Genetics (formerly Invitae), Labcorp); PubMed 26908613 (cited by Labcorp Genetics (formerly Invitae), Labcorp); PubMed 27391550 (cited by Labcorp Genetics (formerly Invitae), Labcorp).